The following is an entry in ClinVar:

ClinVar aggregate classification (germline): Likely benign. Review status: criteria provided, multiple submitters, no conflicts (2 of 4 stars). 2 submissions from 2 submitters: Likely benign (2). Last evaluated 2026-04-01.

Allele frequency attached by ClinVar (database versions not stated): gnomAD exomes below 0.00001 and 0.00001; ExAC 0.00001; gnomAD 0.00001; TOPMed 0.00002.
gnomAD v4.1: 21 of 1,613,818 alleles (0.0013%); highest among the groups gnomAD compares: East Asian, 0.0022%; no homozygotes.

Submissions (2):

CeGaT Center for Human Genetics Tuebingen
Classification: Likely benign. Last evaluated: 2026-04-01. Review status: criteria provided, single submitter. Criteria: CeGaT Center For Human Genetics Tuebingen Variant Classification Criteria Version 2. Collection method: clinical testing. Allele origin: germline. Affected: yes. Observed: 1 variant allele.
Comment: MRPL44: BP4, BP7

GeneDx
Classification: Likely benign. Last evaluated: 2017-12-21. Review status: criteria provided, single submitter. Criteria: GeneDx Variant Classification (06012015). Collection method: clinical testing. Allele origin: germline. Affected: yes.
Comment: This variant is considered likely benign or benign based on one or more of the following criteria: it is a conservative change, it occurs at a poorly conserved position in the protein, it is predicted to be benign by multiple in silico algorithms, and/or has population frequency not consistent with disease.

NM_022915.5(MRPL44):c.954G>A (p.Lys318=)

Gene: MRPL44 (mitochondrial ribosomal protein L44; plus strand). Cytogenetic location: 2q36.1.
Variant type: single nucleotide variant.
Coding change: c.954G>A on transcript NM_022915.5 (MANE Select); coding-DNA position 954, G replaced by A.
Protein change: p.Lys318=; no amino-acid change (lysine 318 retained).
Molecular consequence: synonymous variant.
Genome position (GRCh38, 1-based): chr2:223,966,989, G>A. VCF-style: chr2-223966989-G-A. GRCh37 (hg19) VCF-style: chr2-224831706-G-A.
Identifiers: ClinVar variation 513807 (VCV000513807.3), dbSNP rs752230217, ClinGen allele CA2139167.